The following is an entry in ClinVar:

NM_001369268.1(ACAN):c.3186C>T (p.Ala1062=)

Gene: ACAN (aggrecan; plus strand). Cytogenetic location: 15q26.1.
Variant type: single nucleotide variant.
Coding change: c.3186C>T on transcript NM_001369268.1 (MANE Select); coding-DNA position 3186, C replaced by T.
Protein change: p.Ala1062=; no amino-acid change (alanine 1062 retained).
Molecular consequence: synonymous variant.
Genome position (GRCh38, 1-based): chr15:88,855,771, C>T. VCF-style: chr15-88855771-C-T. GRCh37 (hg19) VCF-style: chr15-89399002-C-T.
Other names: c.3186C>T, p.Ala1062= (NM_001135.4, NM_001411096.1, NM_001411097.1 and 1 more transcripts).
Identifiers: ClinVar variation 3778574 (VCV003778574.7).

ClinVar aggregate classification (germline): Likely benign (1 of 4 stars; one submission).

Submission:

CeGaT Center for Human Genetics Tuebingen
Classification: Likely benign. Last evaluated: 2025-03-01. Review status: criteria provided, single submitter. Criteria: CeGaT Center For Human Genetics Tuebingen Variant Classification Criteria Version 2. Collection method: clinical testing. Allele origin: germline. Affected: yes. Observed: 1 variant allele.
Comment: ACAN: PM2:Supporting, BP4, BP7